The following is an entry in ClinVar:

NM_001365536.1(SCN9A):c.3121C>A (p.His1041Asn)

Genes: SCN9A (sodium voltage-gated channel alpha subunit 9; minus strand), SCN1A-AS1 (SCN1A and SCN9A antisense RNA 1; plus strand). Cytogenetic location: 2q24.3.
Variant type: single nucleotide variant.
Coding change: c.3121C>A on transcript NM_001365536.1 (MANE Select); coding-DNA position 3121, C replaced by A.
Protein change: p.His1041Asn; replaces histidine 1041 with asparagine.
Molecular consequence: missense variant.
Genome position (GRCh38, 1-based): chr2:166,272,629, G>T on the plus strand (C>A on the coding strand, the complement: SCN9A is on the minus strand). VCF-style: chr2-166272629-G-T. GRCh37 (hg19) VCF-style: chr2-167129139-G-T.
Other names: c.3088C>A, p.His1030Asn (NM_002977.4); short protein forms H1030N, H1041N.
Identifiers: ClinVar variation 538444 (VCV000538444.9), dbSNP rs200163274, ClinGen allele CA59791493.

ClinVar aggregate classification (germline): Uncertain significance (1 of 4 stars; one submission).

Conditions:
Neuropathy, hereditary sensory and autonomic, type 2A (HSAN2A). Also called: ACROOSTEOLYSIS, GIACCAI TYPE; ACROOSTEOLYSIS, NEUROGENIC; MORVAN DISEASE; NEUROPATHY, CONGENITAL SENSORY; NEUROPATHY, HEREDITARY SENSORY RADICULAR, AUTOSOMAL RECESSIVE; NEUROPATHY, HEREDITARY SENSORY, TYPE IIA. Identifiers: Orphanet 970, MedGen C2752089, MONDO:0024309, OMIM 201300.
Generalized epilepsy with febrile seizures plus, type 7 (GEFSP7). Also called: GEFS+, TYPE 7. Identifiers: Orphanet 36387, MedGen C2751778, MONDO:0013470, OMIM 613863.

Allele frequency attached by ClinVar (database versions not stated): TOPMed 0.00001; ESP Exome Variant Server 0.00008.
gnomAD v4.1: 4 of 1,613,004 alleles (0.00025%); highest among the groups gnomAD compares: Non-Finnish European, 0.00034%; no homozygotes.

Submission:

Labcorp Genetics (formerly Invitae), Labcorp
Classification: Uncertain significance for Neuropathy, hereditary sensory and autonomic, type 2A; Generalized epilepsy with febrile seizures plus, type 7. Last evaluated: 2025-09-08. Review status: criteria provided, single submitter. Criteria: Invitae Variant Classification Sherloc (09022015). Collection method: clinical testing. Allele origin: germline.
Comment: This sequence change replaces histidine, which is basic and polar, with asparagine, which is neutral and polar, at codon 1030 of the SCN9A protein (p.His1030Asn). This variant is present in population databases (rs200163274, gnomAD 0.0009%). This variant has not been reported in the literature in individuals affected with SCN9A-related conditions. ClinVar contains an entry for this variant (Variation ID: 538444). Invitae Evidence Modeling of protein sequence and biophysical properties (such as structural, functional, and spatial information, amino acid conservation, physicochemical variation, residue mobility, and thermodynamic stability) indicates that this missense variant is not expected to disrupt SCN9A protein function with a negative predictive value of 95%. In summary, the available evidence is currently insufficient to determine the role of this variant in disease. Therefore, it has been classified as a Variant of Uncertain Significance.